The following is an entry in ClinVar:

ClinVar aggregate classification (germline): Uncertain significance (1 of 4 stars; one submission).

Submission:

Labcorp Genetics (formerly Invitae), Labcorp
Classification: Uncertain significance. Last evaluated: 2022-07-24. Review status: criteria provided, single submitter. Criteria: Invitae Variant Classification Sherloc (09022015). Collection method: clinical testing. Allele origin: germline.
Comment: In summary, the available evidence is currently insufficient to determine the role of this variant in disease. Therefore, it has been classified as a Variant of Uncertain Significance. Algorithms developed to predict the effect of missense changes on protein structure and function are either unavailable or do not agree on the potential impact of this missense change (SIFT: "Tolerated"; PolyPhen-2: "Probably Damaging"; Align-GVGD: "Class C0"). This variant has not been reported in the literature in individuals affected with DMXL2-related conditions. This variant is not present in population databases (gnomAD no frequency). This sequence change replaces leucine, which is neutral and non-polar, with phenylalanine, which is neutral and non-polar, at codon 836 of the DMXL2 protein (p.Leu836Phe).

NM_001378457.1(DMXL2):c.2506C>T (p.Leu836Phe)

Gene: DMXL2 (Dmx like 2; minus strand). Cytogenetic location: 15q21.2.
Variant type: single nucleotide variant.
Coding change: c.2506C>T on transcript NM_001378457.1 (MANE Select); coding-DNA position 2506, C replaced by T.
Protein change: p.Leu836Phe; replaces leucine 836 with phenylalanine.
Molecular consequence: missense variant. On other transcripts: non-coding transcript variant (2).
Genome position (GRCh38, 1-based): chr15:51,517,098, G>A on the plus strand (C>T on the coding strand, the complement: DMXL2 is on the minus strand). VCF-style: chr15-51517098-G-A. GRCh37 (hg19) VCF-style: chr15-51809295-G-A.
Other names: c.2506C>T, p.Leu836Phe (NM_001174116.3, NM_001174117.3, NM_001378458.1 and 6 more transcripts); c.2266C>T, p.Leu756Phe (NM_001378464.1); short protein forms L756F, L836F.
Identifiers: ClinVar variation 1967445 (VCV001967445.4), dbSNP rs2548553996, ClinGen allele CA392440704.